The following is an entry in ClinVar:

ClinVar aggregate classification (germline): Likely pathogenic (1 of 4 stars; one submission).

Conditions:
Nemaline myopathy 2 (NEM2). Also called: Nemaline myopathy 2, autosomal recessive. Identifiers: MedGen C1850569, MONDO:0009725, OMIM 256030.

Allele frequency attached by ClinVar (database versions not stated): gnomAD exomes below 0.00001.

Submission:

Labcorp Genetics (formerly Invitae), Labcorp
Classification: Likely pathogenic for Nemaline myopathy 2. Last evaluated: 2023-08-31. Review status: criteria provided, single submitter. Criteria: Invitae Variant Classification Sherloc (09022015). Collection method: clinical testing. Allele origin: germline.
Comment: This variant results in the deletion of part of exon 114 (c.18146_18156+7del) of the NEB gene. It is expected to disrupt RNA splicing. Variants that disrupt the donor or acceptor splice site typically lead to a loss of protein function (PMID: 16199547), and loss-of-function variants in NEB are known to be pathogenic (PMID: 25205138). This variant is not present in population databases (gnomAD no frequency). This variant has not been reported in the literature in individuals affected with NEB-related conditions. In summary, the currently available evidence indicates that the variant is pathogenic, but additional data are needed to prove that conclusively. Therefore, this variant has been classified as Likely Pathogenic.

Literature cited by the submitters: PubMed 16199547; PubMed 25205138.

NM_001164508.2(NEB):c.18146_18156+7del

Gene: NEB (nebulin; minus strand). Cytogenetic location: 2q23.3.
Variant type: Deletion.
Coding change: c.18146_18156+7del on transcript NM_001164508.2 (MANE Select); coding-DNA position 18146 through 7 bases into the intron after coding-DNA position 18156, 18 bases deleted (TACAGAGTGATGTAAGTG).
Molecular consequence: splice donor variant.
Genome position (GRCh38, 1-based): chr2:151,567,161-151,567,178, CACTTACATCACTCTGTA deleted on the plus strand (TACAGAGTGATGTAAGTG on the coding strand, the reverse complement: NEB is on the minus strand). VCF-style (leftmost placement, unchanged base first): chr2-151567160-TCACTTACATCACTCTGTA-T. GRCh37 (hg19) VCF-style: chr2-152423674-TCACTTACATCACTCTGTA-T.
Other names: c.13043_13053+7del (NM_004543.5); c.18146_18156+7del (NM_001164507.2, NM_001271208.2).
Identifiers: ClinVar variation 2856919 (VCV002856919.3), dbSNP rs2552193689, ClinGen allele CA2661461855.